The following is an entry in ClinVar:

ClinVar aggregate classification (germline): Uncertain significance (1 of 4 stars; one submission).

Conditions:
Hyperaldosteronism, familial, type IV (HALD4). Also called: FH IV; ALDOSTERONISM, PRIMARY, AND HYPERTENSION. Identifiers: Orphanet 642671, MedGen C4310756, MONDO:0014875, OMIM 617027.
Idiopathic generalized epilepsy. Also called: Generalised epilepsy; EIG. Identifiers: MedGen C0270850, MONDO:0005579, OMIM 600669.

gnomAD v4.1: 1 of 1,601,140 alleles (0.000062%); highest among the groups gnomAD compares: Non-Finnish European, 0.000085%; no homozygotes.

Submission:

Labcorp Genetics (formerly Invitae), Labcorp
Classification: Uncertain significance for Idiopathic generalized epilepsy; Hyperaldosteronism, familial, type IV. Last evaluated: 2022-05-30. Review status: criteria provided, single submitter. Criteria: Invitae Variant Classification Sherloc (09022015). Collection method: clinical testing. Allele origin: germline.
Comment: This sequence change replaces glycine, which is neutral and non-polar, with valine, which is neutral and non-polar, at codon 2346 of the CACNA1H protein (p.Gly2346Val). This variant is not present in population databases (gnomAD no frequency). This variant has not been reported in the literature in individuals affected with CACNA1H-related conditions. Advanced modeling of protein sequence and biophysical properties (such as structural, functional, and spatial information, amino acid conservation, physicochemical variation, residue mobility, and thermodynamic stability) performed at Invitae indicates that this missense variant is not expected to disrupt CACNA1H protein function. In summary, the available evidence is currently insufficient to determine the role of this variant in disease. Therefore, it has been classified as a Variant of Uncertain Significance.

NM_021098.3(CACNA1H):c.7037G>T (p.Gly2346Val)

Gene: CACNA1H (calcium voltage-gated channel subunit alpha1 H; plus strand). Cytogenetic location: 16p13.3.
Variant type: single nucleotide variant.
Coding change: c.7037G>T on transcript NM_021098.3 (MANE Select); coding-DNA position 7037, G replaced by T.
Protein change: p.Gly2346Val; replaces glycine 2346 with valine.
Molecular consequence: missense variant.
Genome position (GRCh38, 1-based): chr16:1,220,969, G>T. VCF-style: chr16-1220969-G-T. GRCh37 (hg19) VCF-style: chr16-1270969-G-T.
Other names: c.7019G>T, p.Gly2340Val (NM_001005407.2); short protein forms G2340V, G2346V.
Identifiers: ClinVar variation 2001230 (VCV002001230.4), dbSNP rs765057432, ClinGen allele CA394151622.